The following is an entry in ClinVar:

ClinVar aggregate classification (germline): Benign/Likely benign. Review status: criteria provided, multiple submitters, no conflicts (2 of 4 stars). 2 submissions from 2 submitters: Benign (1); Likely benign (1). Last evaluated 2021-06-09.

Allele frequency attached by ClinVar (database versions not stated): gnomAD exomes 0.00017; ExAC 0.00026; ESP Exome Variant Server 0.00054; gnomAD 0.00060 and 0.00068; TOPMed 0.00071; 1000 Genomes Project 30x 0.00078; 1000 Genomes Project 0.00080.
gnomAD v4.1: 213 of 1,613,682 alleles (0.013%); highest among the groups gnomAD compares: African/African-American, 0.27%; no homozygotes.

Submissions (2):

GeneDx
Classification: Likely benign. Last evaluated: 2021-06-09. Review status: criteria provided, single submitter. Criteria: GeneDx Variant Classification Process June 2021. Collection method: clinical testing. Allele origin: germline. Affected: yes.
Comment: This variant is associated with the following publications: (PMID: 27535533)

Labcorp Genetics (formerly Invitae), Labcorp
Classification: Benign. Last evaluated: 2018-08-14. Review status: criteria provided, single submitter. Criteria: Invitae Variant Classification Sherloc (09022015). Collection method: clinical testing. Allele origin: germline.

NM_014290.3(TDRD7):c.543G>A (p.Val181=)

Gene: TDRD7 (tudor domain containing 7; plus strand). Cytogenetic location: 9q22.33.
Variant type: single nucleotide variant.
Coding change: c.543G>A on transcript NM_014290.3 (MANE Select); coding-DNA position 543, G replaced by A.
Protein change: p.Val181=; no amino-acid change (valine 181 retained).
Molecular consequence: synonymous variant.
Genome position (GRCh38, 1-based): chr9:97,432,218, G>A. VCF-style: chr9-97432218-G-A. GRCh37 (hg19) VCF-style: chr9-100194500-G-A.
Other names: c.321G>A, p.Val107= (NM_001302884.2).
Identifiers: ClinVar variation 707593 (VCV000707593.5), dbSNP rs149804703, ClinGen allele CA5146461.